The following is an entry in ClinVar:

NM_018124.4(RFWD3):c.1207C>A (p.Leu403Ile)

Gene: RFWD3 (ring finger and WD repeat domain 3; minus strand). Cytogenetic location: 16q23.1.
Variant type: single nucleotide variant.
Coding change: c.1207C>A on transcript NM_018124.4 (MANE Select); coding-DNA position 1207, C replaced by A.
Protein change: p.Leu403Ile; replaces leucine 403 with isoleucine.
Molecular consequence: missense variant.
Genome position (GRCh38, 1-based): chr16:74,636,565, G>T on the plus strand (C>A on the coding strand, the complement: RFWD3 is on the minus strand). VCF-style: chr16-74636565-G-T. GRCh37 (hg19) VCF-style: chr16-74670463-G-T.
Other names: c.1207C>A, p.Leu403Ile (NM_001370534.1, NM_001370535.1, NM_001370536.1); c.373C>A, p.Leu125Ile (NM_001370537.1, NM_001370539.1, NM_001370540.1 and 3 more transcripts); short protein forms L403I, L125I.
Identifiers: ClinVar variation 3016756 (VCV003016756.3), dbSNP rs889152263, ClinGen allele CA283745948.

ClinVar aggregate classification (germline): Uncertain significance (1 of 4 stars; one submission).

Allele frequency attached by ClinVar (database versions not stated): gnomAD exomes below 0.00001.
gnomAD v4.1: 3 of 1,612,106 alleles (0.00019%); highest among the groups gnomAD compares: Non-Finnish European, 0.00025%; no homozygotes.

Submission:

Labcorp Genetics (formerly Invitae), Labcorp
Classification: Uncertain significance. Last evaluated: 2023-10-10. Review status: criteria provided, single submitter. Criteria: Invitae Variant Classification Sherloc (09022015). Collection method: clinical testing. Allele origin: germline.
Comment: This sequence change replaces leucine, which is neutral and non-polar, with isoleucine, which is neutral and non-polar, at codon 403 of the RFWD3 protein (p.Leu403Ile). This variant is present in population databases (no rsID available, gnomAD 0.0009%). This variant has not been reported in the literature in individuals affected with RFWD3-related conditions. An algorithm developed to predict the effect of missense changes on protein structure and function (PolyPhen-2) suggests that this variant is likely to be tolerated. In summary, the available evidence is currently insufficient to determine the role of this variant in disease. Therefore, it has been classified as a Variant of Uncertain Significance.